The following is an entry in ClinVar:

NM_000059.4(BRCA2):c.5060T>C (p.Leu1687Pro)

Gene: BRCA2 (BRCA2 DNA repair associated; plus strand). Cytogenetic location: 13q13.1.
Variant type: single nucleotide variant.
Coding change: c.5060T>C on transcript NM_000059.4 (MANE Select); coding-DNA position 5060, T replaced by C.
Protein change: p.Leu1687Pro; replaces leucine 1687 with proline.
Molecular consequence: missense variant.
Genome position (GRCh38, 1-based): chr13:32,339,415, T>C. VCF-style: chr13-32339415-T-C. GRCh37 (hg19) VCF-style: chr13-32913552-T-C.
Other names: c.5060T>C, p.Leu1687Pro (NM_001406719.1, NM_001406720.1); short protein forms L1687P.
Identifiers: ClinVar variation 1745109 (VCV001745109.5), dbSNP rs2072519361, ClinGen allele CA387784039.

ClinVar aggregate classification (germline): Conflicting classifications of pathogenicity. Review status: criteria provided, conflicting classifications (1 of 4 stars). 2 submissions from 2 submitters: Uncertain significance (1); Likely benign (1). Last evaluated 2025-12-15.

Conditions:
Hereditary cancer-predisposing syndrome. Also called: Tumor predisposition; Hereditary Cancer Syndrome; Hereditary neoplastic syndrome; Neoplastic Syndromes, Hereditary. Identifiers: Orphanet 140162, MedGen C0027672, MeSH D009386, MONDO:0015356.

Allele frequency attached by ClinVar (database versions not stated): gnomAD exomes below 0.00001; TOPMed below 0.00001.
gnomAD v4.1: 4 of 1,593,878 alleles (0.00025%); highest among the groups gnomAD compares: East Asian, 0.0045%; no homozygotes.

Submissions (2):

Ambry Genetics
Classification: Uncertain significance for Hereditary cancer-predisposing syndrome. Last evaluated: 2025-12-15. Review status: criteria provided, single submitter. Criteria: Ambry Variant Classification Scheme 2023. Collection method: clinical testing. Allele origin: germline.
Comment: The p.L1687P variant (also known as c.5060T>C), located in coding exon 10 of the BRCA2 gene, results from a T to C substitution at nucleotide position 5060. The leucine at codon 1687 is replaced by proline, an amino acid with similar properties. In one study, this alteration was not observed in 7,051 unselected female breast cancer patients but was observed in 2/11,241 female controls of Japanese ancestry (Momozawa Y et al. Nat Commun, 2018 10;9:4083). This amino acid position is poorly conserved in available vertebrate species. In addition, this alteration is predicted to be tolerated by in silico analysis. Since supporting evidence is limited at this time, the clinical significance of this alteration remains unclear.

University of Washington Department of Laboratory Medicine, University of Washington
Classification: Likely benign for Hereditary cancer-predisposing syndrome. Last evaluated: 2023-03-23. Review status: criteria provided, single submitter. Criteria: Dines et al. (Genet Med. 2020). Collection method: curation. Allele origin: germline.
Comment: Missense variant in a coldspot region where missense variants are very unlikely to be pathogenic (PMID:31911673).

BRCA2 exon 11 coldspot. Reclassification based on statistical prior probability.

Literature cited by the submitters: PubMed 30287823 (cited by Ambry Genetics).